The following is an entry in ClinVar:

ClinVar aggregate classification (germline): Uncertain significance. Review status: criteria provided, multiple submitters, no conflicts (2 of 4 stars). 3 submissions from 3 submitters: Uncertain significance (2). 1 of the submissions does not count toward it. Last evaluated 2024-10-29.

Conditions:
Inborn genetic diseases. Identifiers: MedGen C0950123, MeSH D030342.
Methylcobalamin deficiency type cblE (HMAE). Also called: HOMOCYSTINURIA-MEGALOBLASTIC ANEMIA, cblE COMPLEMENTATION TYPE; HOMOCYSTINURIA-MEGALOBLASTIC ANEMIA, cblE TYPE; VITAMIN B12-RESPONSIVE HOMOCYSTINURIA, cblE TYPE. Identifiers: Orphanet 2169, Orphanet 622, MedGen C1856057, MONDO:0009354, OMIM 236270.

Allele frequency attached by ClinVar (database versions not stated): ExAC 0.00002; gnomAD exomes 0.00002; TOPMed 0.00003; gnomAD 0.00005 and 0.00006.
gnomAD v4.1: 17 of 1,613,868 alleles (0.0011%); highest among the groups gnomAD compares: Admixed American, 0.0067%; no homozygotes.

Submissions (3):

Labcorp Genetics (formerly Invitae), Labcorp
Classification: Uncertain significance for Methylcobalamin deficiency type cblE. Last evaluated: 2024-10-29. Review status: criteria provided, single submitter. Criteria: Invitae Variant Classification Sherloc (09022015). Collection method: clinical testing. Allele origin: germline.
Comment: This sequence change replaces phenylalanine, which is neutral and non-polar, with leucine, which is neutral and non-polar, at codon 416 of the MTRR protein (p.Phe416Leu). This variant is present in population databases (rs769915505, gnomAD 0.007%). This variant has not been reported in the literature in individuals affected with MTRR-related conditions. ClinVar contains an entry for this variant (Variation ID: 534626). Invitae Evidence Modeling of protein sequence and biophysical properties (such as structural, functional, and spatial information, amino acid conservation, physicochemical variation, residue mobility, and thermodynamic stability) indicates that this missense variant is not expected to disrupt MTRR protein function with a negative predictive value of 80%. In summary, the available evidence is currently insufficient to determine the role of this variant in disease. Therefore, it has been classified as a Variant of Uncertain Significance.

Ambry Genetics
Classification: Uncertain significance for Inborn genetic diseases. Last evaluated: 2021-11-08. Review status: criteria provided, single submitter. Criteria: Ambry Variant Classification Scheme 2023. Collection method: clinical testing. Allele origin: germline.

Natera, Inc.
Classification: Uncertain significance for CblE complementation type homocystinuria-megaloblastic anemia due to defect in cobalamin metabolism. Last evaluated: 2019-11-11. Review status: no assertion criteria provided. Collection method: clinical testing. Allele origin: germline. Not counted in ClinVar's aggregate classification.

NM_002454.3(MTRR):c.1246T>C (p.Phe416Leu)

Gene: MTRR (5-methyltetrahydrofolate-homocysteine methyltransferase reductase; plus strand). Cytogenetic location: 5p15.31.
Variant type: single nucleotide variant.
Coding change: c.1246T>C on transcript NM_002454.3 (MANE Select); coding-DNA position 1246, T replaced by C.
Protein change: p.Phe416Leu; replaces phenylalanine 416 with leucine.
Molecular consequence: missense variant. On other transcripts: non-coding transcript variant (14).
Genome position (GRCh38, 1-based): chr5:7,889,194, T>C. VCF-style: chr5-7889194-T-C. GRCh37 (hg19) VCF-style: chr5-7889307-T-C.
Other names: c.1246T>C, p.Phe416Leu (NM_001364440.2, NM_001364441.2, NM_001364442.2 and 1 more transcripts); short protein forms F416L.
Identifiers: ClinVar variation 534626 (VCV000534626.9), dbSNP rs769915505, ClinGen allele CA3195868.